The following is an entry in ClinVar:

ClinVar aggregate classification (germline): Uncertain significance (1 of 4 stars; one submission).

Submission:

Labcorp Genetics (formerly Invitae), Labcorp
Classification: Uncertain significance. Last evaluated: 2021-04-11. Review status: criteria provided, single submitter. Criteria: Invitae Variant Classification Sherloc (09022015). Collection method: clinical testing. Allele origin: germline.
Comment: In summary, the available evidence is currently insufficient to determine the role of this variant in disease. Therefore, it has been classified as a Variant of Uncertain Significance. Algorithms developed to predict the effect of sequence changes on RNA splicing suggest that this variant may create or strengthen a splice site, but this prediction has not been confirmed by published transcriptional studies. Algorithms developed to predict the effect of missense changes on protein structure and function (SIFT, PolyPhen-2, Align-GVGD) all suggest that this variant is likely to be tolerated, but these predictions have not been confirmed by published functional studies and their clinical significance is uncertain. This variant has not been reported in the literature in individuals with PAX1-related conditions. The frequency data for this variant in the population databases is considered unreliable, as metrics indicate insufficient coverage at this position in the ExAC database. This sequence change replaces glycine with serine at codon 65 of the PAX1 protein (p.Gly65Ser). The glycine residue is weakly conserved and there is a small physicochemical difference between glycine and serine.

NM_001257096.2(PAX1):c.193G>A (p.Gly65Ser)

Gene: PAX1 (paired box 1; plus strand). Cytogenetic location: 20p11.22.
Variant type: single nucleotide variant.
Coding change: c.193G>A on transcript NM_001257096.2 (MANE Select); coding-DNA position 193, G replaced by A.
Protein change: p.Gly65Ser; replaces glycine 65 with serine.
Molecular consequence: missense variant.
Genome position (GRCh38, 1-based): chr20:21,705,905, G>A. VCF-style: chr20-21705905-G-A. GRCh37 (hg19) VCF-style: chr20-21686543-G-A.
Other names: c.193G>A, p.Gly65Ser (NM_006192.5); short protein forms G65S.
Identifiers: ClinVar variation 1481623 (VCV001481623.8), dbSNP rs868231248, ClinGen allele CA408497040.
Genomic context (GRCh38, chr20:21,705,905, plus strand): 5'-CTGGGCCGCCGCGGCTCTCGGCTCTCGGGCGCCCTCCCTCTATGCCTCTCACGCGGCGGC[G>A]GCGGCGCCCAAGCTCTCCCGGACTGCGCCGGGCCCAGCCCCGGCCACCCCGGCCACCCCG-3'
Protein context (NP_001244025.1, residues 55-75): ALPLCLSRGG[Gly65Ser]GAQALPDCAG